The following is an entry in ClinVar:

ClinVar aggregate classification (germline): Likely benign (1 of 4 stars; one submission).

Allele frequency attached by ClinVar (database versions not stated): gnomAD exomes below 0.00001; TOPMed below 0.00001; gnomAD 0.00001.
gnomAD v4.1: 5 of 1,612,658 alleles (0.00031%); highest among the groups gnomAD compares: Non-Finnish European, 0.00042%; no homozygotes.

Submission:

CeGaT Center for Human Genetics Tuebingen
Classification: Likely benign. Last evaluated: 2022-04-01. Review status: criteria provided, single submitter. Criteria: CeGaT Center For Human Genetics Tuebingen Variant Classification Criteria Version 2. Collection method: clinical testing. Allele origin: germline. Affected: yes. Observed: 1 variant allele.
Comment: MAPK8IP3: BP4, BP7

NM_001318852.2(MAPK8IP3):c.3960C>T (p.Ser1320=)

Gene: MAPK8IP3 (mitogen-activated protein kinase 8 interacting protein 3; plus strand). Cytogenetic location: 16p13.3.
Variant type: single nucleotide variant.
Coding change: c.3960C>T on transcript NM_001318852.2 (MANE Select); coding-DNA position 3960, C replaced by T.
Protein change: p.Ser1320=; no amino-acid change (serine 1320 retained).
Molecular consequence: synonymous variant.
Genome position (GRCh38, 1-based): chr16:1,768,770, C>T. VCF-style: chr16-1768770-C-T. GRCh37 (hg19) VCF-style: chr16-1818771-C-T.
Other names: c.3939C>T, p.Ser1313= (NM_001040439.2); c.3957C>T, p.Ser1319= (NM_015133.5, NM_033392.3).
Identifiers: ClinVar variation 2645944 (VCV002645944.24), dbSNP rs1180830697, ClinGen allele CA492939424.